The following is an entry in ClinVar:

ClinVar aggregate classification (germline): Uncertain significance (1 of 4 stars; one submission).

Submission:

Women's Health and Genetics/Laboratory Corporation of America, LabCorp
Classification: Uncertain significance. Last evaluated: 2025-06-12. Review status: criteria provided, single submitter. Criteria: LabCorp Variant Classification Summary - May 2015. Collection method: clinical testing. Allele origin: germline.
Comment: Variant summary: DIABLO c.225_227delGAG (p.Arg76del) results in an in-frame deletion that is predicted to remove one amino acid from the encoded protein. The variant allele was found at a frequency of 4e-06 in 251406 control chromosomes. The available data on variant occurrences in the general population are insufficient to allow any conclusion about variant significance. To our knowledge, no occurrence of c.225_227delGAG in individuals affected with Autosomal Dominant Nonsyndromic Hearing Loss 64 and no experimental evidence demonstrating its impact on protein function have been reported. No submitters have cited clinical-significance assessments for this variant to ClinVar. Based on the evidence outlined above, the variant was classified as uncertain significance.

NM_001371333.1(DIABLO):c.222GAG[1] (p.Arg76del)

Gene: DIABLO (diablo IAP-binding mitochondrial protein; minus strand). Cytogenetic location: 12q24.31.
Variant type: Microsatellite.
Coding change: c.222GAG[1] on transcript NM_001371333.1 (MANE Select); one copy of the 3-base unit GAG starting at c.222; the reference has two copies in a row; one copy, 3 bases deleted.
Protein change: p.Arg76del; deletes arginine 76.
Molecular consequence: initiator codon variant (on NM_001278303.1). On other transcripts: intron variant (2).
Genome position (GRCh38, 1-based): chr12:122,218,354-122,218,356, CTC deleted on the plus strand (GAG on the coding strand, the reverse complement: DIABLO is on the minus strand); deleting any 3 consecutive bases within chr12:122,218,354-122,218,359 gives the same sequence; the position shown is the placement nearest the transcript's 3' end. VCF-style (leftmost placement, unchanged base first): chr12-122218353-TCTC-T. GRCh37 (hg19) VCF-style: chr12-122702900-TCTC-T.
Other names: c.3GAG[1], p.Arg3del (NM_001278303.1); c.63GAG[1], p.Arg23del (NM_001278304.2, NM_138930.3); c.222GAG[1], p.Arg76del (NM_019887.6); c.184-1487_184-1485del (NM_001278342.1); c.25-1487_25-1485del (NM_001278302.1); c.225_227delGAG (NM_019887.6); short protein forms R23del, R3del, R76del.
Identifiers: ClinVar variation 3907168 (VCV003907168.1).
Genomic context (GRCh38, chr12:122,218,353, plus strand): 5'-CAACGCATATGTGGTCTGAGAGAGAAAGGTAGAGGTGCTATCTGTTACCAAAGACACTGC[TCTC>T]CTCATCAATGCTTCACTACTAAGGGAATGAGGCTCTGATTTCTGAAAGACACAAACATTG-3'